The following is an entry in ClinVar:

ClinVar aggregate classification (germline): Uncertain significance (1 of 4 stars; one submission).

Submission:

Labcorp Genetics (formerly Invitae), Labcorp
Classification: Uncertain significance. Last evaluated: 2024-11-20. Review status: criteria provided, single submitter. Criteria: Invitae Variant Classification Sherloc (09022015). Collection method: clinical testing. Allele origin: germline.
Comment: This sequence change replaces arginine, which is basic and polar, with leucine, which is neutral and non-polar, at codon 1546 of the TRRAP protein (p.Arg1546Leu). This variant is not present in population databases (gnomAD no frequency). This variant has not been reported in the literature in individuals affected with TRRAP-related conditions. Invitae Evidence Modeling of protein sequence and biophysical properties (such as structural, functional, and spatial information, amino acid conservation, physicochemical variation, residue mobility, and thermodynamic stability) has been performed for this missense variant. However, the output from this modeling did not meet the statistical confidence thresholds required to predict the impact of this variant on TRRAP protein function. In summary, the available evidence is currently insufficient to determine the role of this variant in disease. Therefore, it has been classified as a Variant of Uncertain Significance.

NM_001375524.1(TRRAP):c.4712G>T (p.Arg1571Leu)

Gene: TRRAP (transformation/transcription domain associated protein; plus strand). Cytogenetic location: 7q22.1.
Variant type: single nucleotide variant.
Coding change: c.4712G>T on transcript NM_001375524.1 (MANE Select); coding-DNA position 4712, G replaced by T.
Protein change: p.Arg1571Leu; replaces arginine 1571 with leucine.
Molecular consequence: missense variant.
Genome position (GRCh38, 1-based): chr7:98,948,609, G>T. VCF-style: chr7-98948609-G-T. GRCh37 (hg19) VCF-style: chr7-98546232-G-T.
Other names: c.4691G>T, p.Arg1564Leu (NM_001244580.2); c.4637G>T, p.Arg1546Leu (NM_003496.4); short protein forms R1564L, R1546L, R1571L.
Identifiers: ClinVar variation 3641350 (VCV003641350.2).